The following is an entry in ClinVar:

NM_006231.4(POLE):c.2438A>G (p.Asn813Ser)

Gene: POLE (DNA polymerase epsilon, catalytic subunit; minus strand). Cytogenetic location: 12q24.33.
Variant type: single nucleotide variant.
Coding change: c.2438A>G on transcript NM_006231.4 (MANE Select); coding-DNA position 2438, A replaced by G.
Protein change: p.Asn813Ser; replaces asparagine 813 with serine.
Molecular consequence: missense variant.
Genome position (GRCh38, 1-based): chr12:132,665,332, T>C on the plus strand (A>G on the coding strand, the complement: POLE is on the minus strand). VCF-style: chr12-132665332-T-C. GRCh37 (hg19) VCF-style: chr12-133241918-T-C.
Other names: short protein forms N813S.
Identifiers: ClinVar variation 962460 (VCV000962460.9), dbSNP rs2042769363, ClinGen allele CA387397034.

ClinVar aggregate classification (germline): Uncertain significance (1 of 4 stars; one submission).

Submission:

Labcorp Genetics (formerly Invitae), Labcorp
Classification: Uncertain significance. Last evaluated: 2020-09-09. Review status: criteria provided, single submitter. Criteria: Invitae Variant Classification Sherloc (09022015). Collection method: clinical testing. Allele origin: germline.
Comment: This sequence change replaces asparagine with serine at codon 813 of the POLE protein (p.Asn813Ser). The asparagine residue is highly conserved and there is a small physicochemical difference between asparagine and serine. This variant is not present in population databases (ExAC no frequency). This variant has not been reported in the literature in individuals with POLE-related conditions. Algorithms developed to predict the effect of missense changes on protein structure and function (SIFT, PolyPhen-2, Align-GVGD) all suggest that this variant is likely to be disruptive, but these predictions have not been confirmed by published functional studies and their clinical significance is uncertain. In summary, the available evidence is currently insufficient to determine the role of this variant in disease. Therefore, it has been classified as a Variant of Uncertain Significance.